The following is an entry in ClinVar:

ClinVar aggregate classification (germline): Uncertain significance. Review status: criteria provided, multiple submitters, no conflicts (2 of 4 stars). 2 submissions from 2 submitters: Uncertain significance (2). Last evaluated 2024-05-12.

Conditions:
Hypophosphatemic rickets, autosomal recessive, 1 (ARHR1). Also called: HYPOPHOSPHATEMIA, AUTOSOMAL RECESSIVE. Identifiers: Orphanet 289176, MedGen C4551495, MONDO:0009430, OMIM 241520. Disease mechanism: loss of function.

Allele frequency attached by ClinVar (database versions not stated): gnomAD exomes 0.00007 and 0.00015; ExAC 0.00015; gnomAD 0.00026 and 0.00027; TOPMed 0.00028; ESP Exome Variant Server 0.00038; 1000 Genomes Project 30x 0.00062; 1000 Genomes Project 0.00080.
gnomAD v4.1: 149 of 1,614,212 alleles (0.0092%); highest among the groups gnomAD compares: African/African-American, 0.067%; no homozygotes.

Submissions (2):

Labcorp Genetics (formerly Invitae), Labcorp
Classification: Uncertain significance. Last evaluated: 2024-05-12. Review status: criteria provided, single submitter. Criteria: Invitae Variant Classification Sherloc (09022015). Collection method: clinical testing. Allele origin: germline.
Comment: This sequence change replaces isoleucine, which is neutral and non-polar, with threonine, which is neutral and polar, at codon 501 of the DMP1 protein (p.Ile501Thr). This variant is present in population databases (rs146762807, gnomAD 0.09%). This variant has not been reported in the literature in individuals affected with DMP1-related conditions. ClinVar contains an entry for this variant (Variation ID: 1416607). Advanced modeling of protein sequence and biophysical properties (such as structural, functional, and spatial information, amino acid conservation, physicochemical variation, residue mobility, and thermodynamic stability) performed at Invitae indicates that this missense variant is not expected to disrupt DMP1 protein function with a negative predictive value of 80%. In summary, the available evidence is currently insufficient to determine the role of this variant in disease. Therefore, it has been classified as a Variant of Uncertain Significance.

Fulgent Genetics
Classification: Uncertain significance for Hypophosphatemic rickets, autosomal recessive, 1. Last evaluated: 2022-03-30. Review status: criteria provided, single submitter. Criteria: ACMG Guidelines, 2015. Collection method: clinical testing. Allele origin: unknown.

NM_004407.4(DMP1):c.1502T>C (p.Ile501Thr)

Genes: DMP1-AS1 (DMP1 and DSPP antisense RNA 1; minus strand), DMP1 (dentin matrix acidic phosphoprotein 1; plus strand). Cytogenetic location: 4q22.1.
Variant type: single nucleotide variant.
Coding change: c.1502T>C on transcript NM_004407.4 (MANE Select); coding-DNA position 1502, T replaced by C.
Protein change: p.Ile501Thr; replaces isoleucine 501 with threonine.
Molecular consequence: missense variant.
Genome position (GRCh38, 1-based): chr4:87,663,280, T>C. VCF-style: chr4-87663280-T-C. GRCh37 (hg19) VCF-style: chr4-88584432-T-C.
Other names: c.1454T>C, p.Ile485Thr (NM_001079911.3); short protein forms I485T, I501T.
Identifiers: ClinVar variation 1416607 (VCV001416607.8), dbSNP rs146762807, ClinGen allele CA3002214.